The following is an entry in ClinVar:

ClinVar aggregate classification (germline): Uncertain significance (1 of 4 stars; one submission).

Conditions:
Hereditary cancer-predisposing syndrome. Also called: Neoplastic Syndromes, Hereditary; Tumor predisposition; Hereditary Cancer Syndrome; Hereditary neoplastic syndrome. Identifiers: Orphanet 140162, MedGen C0027672, MeSH D009386, MONDO:0015356.

Submission:

Ambry Genetics
Classification: Uncertain significance for Hereditary cancer-predisposing syndrome. Last evaluated: 2025-08-20. Review status: criteria provided, single submitter. Criteria: Ambry Variant Classification Scheme 2023. Collection method: clinical testing. Allele origin: germline.
Comment: The p.L276P variant (also known as c.827T>C), located in coding exon 6 of the BRIP1 gene, results from a T to C substitution at nucleotide position 827. The leucine at codon 276 is replaced by proline, an amino acid with similar properties. This amino acid position is conserved. In addition, this alteration is predicted to be deleterious by in silico analysis. Since supporting evidence is limited at this time, the clinical significance of this alteration remains unclear.

NM_032043.3(BRIP1):c.827T>C (p.Leu276Pro)

Gene: BRIP1 (BRCA1 interacting DNA helicase 1; minus strand). Cytogenetic location: 17q23.2.
Variant type: single nucleotide variant.
Coding change: c.827T>C on transcript NM_032043.3 (MANE Select); coding-DNA position 827, T replaced by C.
Protein change: p.Leu276Pro; replaces leucine 276 with proline.
Molecular consequence: missense variant.
Genome position (GRCh38, 1-based): chr17:61,808,558, A>G on the plus strand (T>C on the coding strand, the complement: BRIP1 is on the minus strand). VCF-style: chr17-61808558-A-G. GRCh37 (hg19) VCF-style: chr17-59885919-A-G.
Other names: short protein forms L276P.
Identifiers: ClinVar variation 1762729 (VCV001762729.3), dbSNP rs1405765260, ClinGen allele CA400484832.